The following is an entry in ClinVar:

ClinVar aggregate classification (germline): Pathogenic (1 of 4 stars; one submission).

Conditions:
Colorectal cancer, hereditary nonpolyposis, type 7. Identifiers: Orphanet 144, MedGen C1858380, MONDO:0013725, OMIM 614385.

Submission:

Myriad Genetics, Inc.
Classification: Pathogenic for Colorectal cancer, hereditary nonpolyposis, type 7. Last evaluated: 2026-04-14. Review status: criteria provided, single submitter. Criteria: Myriad Autosomal Dominant, Autosomal Recessive and X-Linked Classification Criteria (2023). Collection method: clinical testing. Allele origin: unknown.
Comment: This variant is considered pathogenic. This variant creates a frameshift predicted to result in premature protein truncation.

NM_001040108.2(MLH3):c.980dup (p.Ile328fs)

Gene: MLH3 (mutL homolog 3; minus strand). Cytogenetic location: 14q24.3.
Variant type: Duplication.
Coding change: c.980dup on transcript NM_001040108.2 (MANE Select); coding-DNA position 980, one base duplicated (T; older notation c.980dupT).
Protein change: p.Ile328fs; shifts the reading frame from isoleucine 328.
Molecular consequence: frameshift variant.
Genome position (GRCh38, 1-based): chr14:75,048,676, A duplicated on the plus strand (T on the coding strand, the reverse complement: MLH3 is on the minus strand). VCF-style (leftmost placement, unchanged base first): chr14-75048675-C-CA. GRCh37 (hg19) VCF-style: chr14-75515378-C-CA.
Other names: c.980dup, p.Ile328fs (NM_014381.3); short protein forms I328fs.
Identifiers: ClinVar variation 4876003 (VCV004876003.1).